The following is an entry in ClinVar:

ClinVar aggregate classification (germline): Benign/Likely benign. Review status: criteria provided, multiple submitters, no conflicts (2 of 4 stars). 2 submissions from 2 submitters: Benign (1); Likely benign (1). Last evaluated 2026-09-29.

Conditions:
Neurofibromatosis, type 1 (NF1). Also called: Neurofibromatosis, type I; NEUROFIBROMATOSIS, TYPE I, SOMATIC; VON RECKLINGHAUSEN DISEASE; Peripheral type neurofibromatosis. Identifiers: Orphanet 636, MedGen C0027831, MONDO:0018975, OMIM 162200. Disease mechanism: loss of function.

Submissions (2):

Myriad Genetics, Inc.
Classification: Benign for Neurofibromatosis, type 1. Last evaluated: 2026-09-29. Review status: criteria provided, single submitter. Criteria: Myriad Autosomal Dominant, Autosomal Recessive and X-Linked Classification Criteria (2023). Collection method: clinical testing. Allele origin: unknown.
Comment: This variant is considered benign. This variant is a silent/synonymous amino acid change and it is not expected to impact splicing.

Labcorp Genetics (formerly Invitae), Labcorp
Classification: Likely benign for Neurofibromatosis, type 1. Last evaluated: 2024-04-15. Review status: criteria provided, single submitter. Criteria: Invitae Variant Classification Sherloc (09022015). Collection method: clinical testing. Allele origin: germline.

NM_001042492.3(NF1):c.15G>A (p.Arg5=)

Genes: MIR4733HG (MIR4733 host gene; minus strand), NF1 (neurofibromin 1; plus strand), LOC111811965 (NF1 (neurofibromin 1) promoter region; plus strand). Cytogenetic location: 17q11.2.
Variant type: single nucleotide variant.
Coding change: c.15G>A on transcript NM_001042492.3 (MANE Select); coding-DNA position 15, G replaced by A.
Protein change: p.Arg5=; no amino-acid change (arginine 5 retained).
Molecular consequence: synonymous variant. On other transcripts: non-coding transcript variant (1).
Genome position (GRCh38, 1-based): chr17:31,095,324, G>A. VCF-style: chr17-31095324-G-A. GRCh37 (hg19) VCF-style: chr17-29422342-G-A.
Other names: c.15G>A, p.Arg5= (NM_000267.4, NM_001128147.3).
Identifiers: ClinVar variation 2169589 (VCV002169589.5), dbSNP rs1567786804, ClinGen allele CA499197500.
Genomic context (GRCh38, chr17:31,095,324, plus strand): 5'-CGCCGGCCCACCCTTCCCTCCGCCGCCCCCCGGCCGCGGGGAGGACATGGCCGCGCACAG[G>A]CCGGTGGAATGGGTCCAGGCCGTGGTCAGCCGCTTCGACGAGCAGGTAACCGGCCCGTGG-3'
Protein context (NP_001035957.1, residues 1-15): MAAH[Arg5=]PVEWVQAVVS